The following is an entry in ClinVar:

ClinVar aggregate classification (germline): Benign/Likely benign. Review status: criteria provided, multiple submitters, no conflicts (2 of 4 stars). 6 submissions from 6 submitters: Benign (4); Likely benign (1). 1 of the submissions does not count toward it. Last evaluated 2026-06-15.

Conditions:
DYRK1A-related disorder.
DYRK1A-related intellectual disability syndrome (MRD7). Also called: DYRK1A Syndrome; Intellectual developmental disorder, autosomal dominant 7. Identifiers: Orphanet 464306, MedGen C5568143, MONDO:0013578, OMIM 614104.
Inborn genetic diseases. Identifiers: MedGen C0950123, MeSH D030342.

Allele frequency attached by ClinVar (database versions not stated): 1000 Genomes Project 30x 0.00047; TOPMed 0.00063; ESP Exome Variant Server 0.00069; gnomAD exomes 0.00014 and 0.00005; gnomAD 0.00049 and 0.00047; ExAC 0.00022; 1000 Genomes Project 0.00060.
gnomAD v4.1: 144 of 1,511,190 alleles (0.0095%); highest among the groups gnomAD compares: African/African-American, 0.19%; no homozygotes.

Submissions (6):

Women's Health and Genetics/Laboratory Corporation of America, LabCorp
Classification: Benign. Last evaluated: 2026-06-15. Review status: criteria provided, single submitter. Criteria: LabCorp Variant Classification Summary - May 2015. Collection method: clinical testing. Allele origin: germline.
Comment: Variant summary: DYRK1A c.519T>C (p.Val173Val) alters a conserved nucleotide located close to a canonical splice site and therefore could affect mRNA splicing, leading to a significantly altered protein sequence. Consensus agreement among computation tools predict no significant impact on normal splicing. However, these predictions have yet to be confirmed by functional studies. The variant allele was found at a frequency of 0.00014 in 185552 control chromosomes, predominantly at a frequency of 0.002 within the African or African-American subpopulation in the gnomAD database. The observed variant frequency within African or African-American control individuals in the gnomAD database exceeds the estimated maximal expected allele frequency for disease-causing variants in DYRK1A. To our knowledge, no occurrence of c.519T>C in individuals affected with DYRK1A-related conditions and no experimental evidence demonstrating its impact on protein function have been reported. ClinVar contains an entry for this variant (Variation ID: 385904). Based on the evidence outlined above, the variant was classified as benign.

Labcorp Genetics (formerly Invitae), Labcorp
Classification: Benign for DYRK1A-related intellectual disability syndrome. Last evaluated: 2026-01-25. Review status: criteria provided, single submitter. Criteria: Invitae Variant Classification Sherloc (09022015). Collection method: clinical testing. Allele origin: germline.

Athena Diagnostics
Classification: Benign. Last evaluated: 2024-09-25. Review status: criteria provided, single submitter. Criteria: Athena Diagnostics Criteria. Collection method: clinical testing. Allele origin: unknown.

GeneDx
Classification: Benign. Last evaluated: 2021-07-19. Review status: criteria provided, single submitter. Criteria: GeneDx Variant Classification Process June 2021. Collection method: clinical testing. Allele origin: germline. Affected: yes.

Ambry Genetics
Classification: Likely benign for Inborn genetic diseases. Last evaluated: 2016-01-08. Review status: criteria provided, single submitter. Criteria: Ambry Variant Classification Scheme 2023. Collection method: clinical testing. Allele origin: germline.

PreventionGenetics, part of Exact Sciences
Classification: Likely benign for DYRK1A-related condition. Last evaluated: 2020-01-06. Review status: no assertion criteria provided. Collection method: clinical testing. Allele origin: germline. Not counted in ClinVar's aggregate classification.
Comment: This variant is classified as likely benign based on ACMG/AMP sequence variant interpretation guidelines (Richards et al. 2015 PMID: 25741868, with internal and published modifications).

NM_001347721.2(DYRK1A):c.492T>C (p.Val164=)

Gene: DYRK1A (dual specificity tyrosine phosphorylation regulated kinase 1A; plus strand). Cytogenetic location: 21q22.13.
Variant type: single nucleotide variant.
Coding change: c.492T>C on transcript NM_001347721.2 (MANE Select); coding-DNA position 492, T replaced by C.
Protein change: p.Val164=; no amino-acid change (valine 164 retained).
Molecular consequence: synonymous variant.
Genome position (GRCh38, 1-based): chr21:37,486,469, T>C. VCF-style: chr21-37486469-T-C. GRCh37 (hg19) VCF-style: chr21-38858771-T-C.
Other names: c.519T>C (NM_001396.4); c.492T>C, p.Val164= (NM_001347722.2, NM_130436.2); c.405T>C, p.Val135= (NM_001347723.2); c.519T>C, p.Val173= (NM_001396.5, NM_101395.2, NM_130438.2).
Identifiers: ClinVar variation 385904 (VCV000385904.23), dbSNP rs148892536, ClinGen allele CA10023810.
Genomic context (GRCh38, chr21:37,486,469, plus strand): 5'-AATTATTGTGAAATTTTTGCAATTAATGAAATAGAGAATTATTCATCTTCTCTTTTAGGT[T>C]GTAAAGGCATATGATCGTGTGGAGCAAGAATGGGTTGCCATTAAAATAATAAAGAACAAG-3'
Protein context (NP_001334650.1, residues 154-174): SLIGKGSFGQ[Val164=]VKAYDRVEQE